The following is an entry in ClinVar:

ClinVar aggregate classification (germline): Likely benign. Review status: criteria provided, single submitter (1 of 4 stars). 2 submissions from 2 submitters: Likely benign (1). 1 of the submissions does not count toward it. Last evaluated 2020-10-01.

Conditions:
TTN-related disorder. Also called: TTN-related disorders; TTN-related condition; TTN-related disease.
Dilated cardiomyopathy 1G (CMD1G). Identifiers: Orphanet 154, MedGen C1858763, MONDO:0011400, OMIM 604145.
Autosomal recessive limb-girdle muscular dystrophy type 2J (LGMDR10). Also called: Limb-girdle muscular dystrophy, type 2J; MUSCULAR DYSTROPHY, LIMB-GIRDLE, AUTOSOMAL RECESSIVE 10. Identifiers: Orphanet 140922, MedGen C1837342, MONDO:0012127, OMIM 608807.

Submissions (2):

Labcorp Genetics (formerly Invitae), Labcorp
Classification: Likely benign for Dilated cardiomyopathy 1G; Autosomal recessive limb-girdle muscular dystrophy type 2J. Last evaluated: 2020-10-01. Review status: criteria provided, single submitter. Criteria: Invitae Variant Classification Sherloc (09022015). Collection method: clinical testing. Allele origin: germline.

PreventionGenetics, part of Exact Sciences
Classification: Likely benign for TTN-related condition. Last evaluated: 2023-11-16. Review status: no assertion criteria provided. Collection method: clinical testing. Allele origin: germline. Not counted in ClinVar's aggregate classification.
Comment: This variant is classified as likely benign based on ACMG/AMP sequence variant interpretation guidelines (Richards et al. 2015 PMID: 25741868, with internal and published modifications).

NM_001267550.2(TTN):c.71652C>T (p.Asn23884=)

Genes: TTN (titin; minus strand), TTN-AS1 (TTN antisense RNA 1; plus strand). Cytogenetic location: 2q31.2.
Variant type: single nucleotide variant.
Coding change: c.71652C>T on transcript NM_001267550.2 (MANE Select); coding-DNA position 71652, C replaced by T.
Protein change: p.Asn23884=; no amino-acid change (asparagine 23884 retained).
Molecular consequence: synonymous variant.
Genome position (GRCh38, 1-based): chr2:178,574,480, G>A on the plus strand (C>T on the coding strand, the complement: TTN is on the minus strand). VCF-style: chr2-178574480-G-A. GRCh37 (hg19) VCF-style: chr2-179439207-G-A.
Other names: c.66729C>T, p.Asn22243= (NM_001256850.1); c.44457C>T, p.Asn14819= (NM_003319.4); c.63948C>T, p.Asn21316= (NM_133378.4); c.44832C>T, p.Asn14944= (NM_133432.3); c.45033C>T, p.Asn15011= (NM_133437.4).
Identifiers: ClinVar variation 1083674 (VCV001083674.13), dbSNP rs2154171582, ClinGen allele CA430256900.